The following is an entry in ClinVar:

ClinVar aggregate classification (germline): Conflicting classifications of pathogenicity. Review status: criteria provided, conflicting classifications (1 of 4 stars). 2 submissions from 2 submitters: Uncertain significance (1); Likely benign (1). Last evaluated 2026-01-14.

Conditions:
Cardiovascular phenotype. Identifiers: MedGen CN230736.
Familial hypobetalipoproteinemia 1. Also called: APOB-Related Familial Hypobetalipoproteinemia; Hypobetalipoproteinemia, normotriglyceridemic; Acanthocytosis with hypobetalipoproteinemia. Identifiers: MedGen C4551990, MONDO:0014252, OMIM 615558.
Hypercholesterolemia, autosomal dominant, type B (FHCL2). Also called: APOB-Related Familial Hypercholesterolemia, Autosomal Dominant; Familial Hypercholesterolemia Type B; APOLIPOPROTEIN B-100, FAMILIAL DEFECTIVE; APOLIPOPROTEIN B-100, FAMILIAL LIGAND-DEFECTIVE; HYPERCHOLESTEROLEMIA, FAMILIAL, DUE TO LIGAND-DEFECTIVE APOLIPOPROTEIN B; Familial hypercholesterolemia 2. Identifiers: MedGen C1704417, MONDO:0007751, OMIM 144010.

gnomAD v4.1: 14 of 1,613,888 alleles (0.00087%); highest among the groups gnomAD compares: Admixed American, 0.02%; no homozygotes.

Submissions (2):

Labcorp Genetics (formerly Invitae), Labcorp
Classification: Likely benign for Familial hypobetalipoproteinemia 1; Hypercholesterolemia, autosomal dominant, type B. Last evaluated: 2026-01-14. Review status: criteria provided, single submitter. Criteria: Invitae Variant Classification Sherloc (09022015). Collection method: clinical testing. Allele origin: germline.

Ambry Genetics
Classification: Uncertain significance for Cardiovascular phenotype. Last evaluated: 2025-05-06. Review status: criteria provided, single submitter. Criteria: Ambry Variant Classification Scheme 2023. Collection method: clinical testing. Allele origin: germline.
Comment: The p.L3576F variant (also known as c.10726C>T), located in coding exon 26 of the APOB gene, results from a C to T substitution at nucleotide position 10726. The leucine at codon 3576 is replaced by phenylalanine, an amino acid with highly similar properties. This amino acid position is conserved. In addition, this alteration is predicted to be tolerated by in silico analysis. Based on the available evidence, the clinical significance of this variant remains unclear.

NM_000384.3(APOB):c.10726C>T (p.Leu3576Phe)

Gene: APOB (apolipoprotein B; minus strand). Cytogenetic location: 2p24.1.
Variant type: single nucleotide variant.
Coding change: c.10726C>T on transcript NM_000384.3 (MANE Select); coding-DNA position 10726, C replaced by T.
Protein change: p.Leu3576Phe; replaces leucine 3576 with phenylalanine.
Molecular consequence: missense variant.
Genome position (GRCh38, 1-based): chr2:21,006,142, G>A on the plus strand (C>T on the coding strand, the complement: APOB is on the minus strand). VCF-style: chr2-21006142-G-A. GRCh37 (hg19) VCF-style: chr2-21229014-G-A.
Other names: short protein forms L3576F.
Identifiers: ClinVar variation 3933064 (VCV003933064.2).